The following is an entry in ClinVar:

ClinVar aggregate classification (germline): Pathogenic/Likely pathogenic. Review status: criteria provided, multiple submitters, no conflicts (2 of 4 stars). 3 submissions from 3 submitters: Pathogenic (1); Likely pathogenic (2). Last evaluated 2024-02-13.

Conditions:
KCNH2-related disorder. Also called: KCNH2-related disorders; KCNH2-related condition.
Cardiovascular phenotype. Identifiers: MedGen CN230736.
Long QT syndrome (LQTS). Identifiers: MedGen C0023976, MeSH D008133, MONDO:0002442. Disease mechanism: loss of function. Inheritance: Various modes of inheritance.

Submissions (3):

Labcorp Genetics (formerly Invitae), Labcorp
Classification: Pathogenic for Long QT syndrome. Last evaluated: 2024-02-13. Review status: criteria provided, single submitter. Criteria: Invitae Variant Classification Sherloc (09022015). Collection method: clinical testing. Allele origin: germline.
Comment: This sequence change replaces glycine, which is neutral and non-polar, with glutamic acid, which is acidic and polar, at codon 71 of the KCNH2 protein (p.Gly71Glu). This variant is not present in population databases (gnomAD no frequency). This missense change has been observed in individuals with long QT syndrome (PMID: 23631430; Invitae). ClinVar contains an entry for this variant (Variation ID: 264521). An algorithm developed to predict the effect of missense changes on protein structure and function (PolyPhen-2) suggests that this variant is likely to be disruptive. Experimental studies have shown that this missense change affects KCNH2 function (PMID: 35688148). This variant disrupts the p.Gly71 amino acid residue in KCNH2. Other variant(s) that disrupt this residue have been observed in individuals with KCNH2-related conditions (PMID: 26496715, 29497013; Invitae), which suggests that this may be a clinically significant amino acid residue. For these reasons, this variant has been classified as Pathogenic.

Blueprint Genetics
Classification: Likely pathogenic for KCNH2-related disorders. Last evaluated: 2019-06-12. Review status: criteria provided, single submitter. Criteria: ACMG Guidelines, 2015. Collection method: clinical testing. Allele origin: germline. Affected: yes. Observed: 1 variant allele.

Ambry Genetics
Classification: Likely pathogenic for Cardiovascular phenotype. Last evaluated: 2015-10-27. Review status: criteria provided, single submitter. Criteria: Ambry Variant Classification Scheme 2023. Collection method: clinical testing. Allele origin: germline.
Comment: The p.G71E variant (also known as c.212G>A), located in coding exon 2 of the KCNH2 gene, results from a G to A substitution at nucleotide position 212. The glycine at codon 71 is replaced by glutamic acid, an amino acid with some similar properties. This variant has been reported in patients referred for long QT syndrome (LQTS) genetic testing; however, one patient also carried a variant in the SCN5A gene (Lieve KV et al. Genet Test Mol Biomarkers. 2013;17(7):553-61). This variant was not reported in population based cohorts in the following databases: Database of Single Nucleotide Polymorphisms (dbSNP), NHLBI Exome Sequencing Project (ESP), and 1000 Genomes Project. In the ESP, this variant was not observed in 6486 samples (12972 alleles) with coverage at this position. Other alterations affecting the same amino acid (p.G71R (c.211G>C) and p.G71R (c.211G>A)) have also been reported in association with LQTS (Napolitano C et al. JAMA. 2005 Dec; 294(23):2975-80; Lieve KV et al. Genet Test Mol Biomarkers. 2013;17(7):553-61). This amino acid position is highly conserved in available vertebrate species. In addition, this alteration is predicted to be deleterious by in silico analysis. Based on the majority of available evidence to date, this variant is likely to be pathogenic.

Literature cited by the submitters: PubMed 23631430 (cited by Labcorp Genetics (formerly Invitae), Labcorp and Ambry Genetics); PubMed 35688148 (cited by Labcorp Genetics (formerly Invitae), Labcorp); PubMed 26496715 (cited by Labcorp Genetics (formerly Invitae), Labcorp); PubMed 29497013 (cited by Labcorp Genetics (formerly Invitae), Labcorp); PubMed 16414944 (cited by Ambry Genetics); PubMed 25417810 (cited by Ambry Genetics).

NM_000238.4(KCNH2):c.212G>A (p.Gly71Glu)

Gene: KCNH2 (potassium voltage-gated channel subfamily H member 2; minus strand). Cytogenetic location: 7q36.1.
Variant type: single nucleotide variant.
Coding change: c.212G>A on transcript NM_000238.4 (MANE Select); coding-DNA position 212, G replaced by A.
Protein change: p.Gly71Glu; replaces glycine 71 with glutamic acid.
Molecular consequence: missense variant.
Genome position (GRCh38, 1-based): chr7:150,974,806, C>T on the plus strand (G>A on the coding strand, the complement: KCNH2 is on the minus strand). VCF-style: chr7-150974806-C-T. GRCh37 (hg19) VCF-style: chr7-150671894-C-T.
Other names: c.35G>A, p.Gly12Glu (NM_001406755.1); c.212G>A, p.Gly71Glu (NM_172056.3); short protein forms G71E, G12E.
Identifiers: ClinVar variation 264521 (VCV000264521.12), dbSNP rs886039183, ClinGen allele CA10587642.
Genomic context (GRCh38, chr7:150,974,806, plus strand): 5'-TCCTCGGCGCCCAGCAGTGCCTGCGCGATCTGCGCGGCAGCGCGGCGCTGCGTGCGCGGC[C>T]CGTGCAGGAAGTCGCAGGTGCAGGGTCGCTGCATCACCTCGGCCCGCGAGTAGCCGCACA-3'
Protein context (NP_000229.1, residues 61-81): QRPCTCDFLH[Gly71Glu]PRTQRRAAAQ